The following is an entry in ClinVar:

NM_000313.4(PROS1):c.1424G>T (p.Cys475Phe)

Gene: PROS1 (protein S; minus strand). Cytogenetic location: 3q11.1.
Variant type: single nucleotide variant.
Coding change: c.1424G>T on transcript NM_000313.4 (MANE Select); coding-DNA position 1424, G replaced by T.
Protein change: p.Cys475Phe; replaces cysteine 475 with phenylalanine.
Molecular consequence: missense variant.
Genome position (GRCh38, 1-based): chr3:93,884,796, C>A on the plus strand (G>T on the coding strand, the complement: PROS1 is on the minus strand). VCF-style: chr3-93884796-C-A. GRCh37 (hg19) VCF-style: chr3-93603640-C-A.
Other names: c.1520G>T, p.Cys507Phe (NM_001314077.2); short protein forms C507F, C475F.
Identifiers: ClinVar variation 2734547 (VCV002734547.4), dbSNP rs766692725, ClinGen allele CA2503194.
Genomic context (GRCh38, chr3:93,884,796, plus strand): 5'-ATGTGAAATTGAGCAATTCCAGAACCAGGATAGTAGGAGCCCTTCTCCACAGTAACCAGG[C>A]AATGCTTATTTTGTTTTTCTTGAATAATTTCCTTTATTCCAGAAGCTCCTTGCTTCATCA-3'
Protein context (NP_000304.2, residues 465-485): EIIQEKQNKH[Cys475Phe]LVTVEKGSYY

ClinVar aggregate classification (germline): Pathogenic/Likely pathogenic. Review status: criteria provided, multiple submitters, no conflicts (2 of 4 stars). 2 submissions from 2 submitters: Pathogenic (1); Likely pathogenic (1). Last evaluated 2024-05-08.

Conditions:
Thrombophilia due to protein S deficiency, autosomal recessive (THPH6). Identifiers: Orphanet 743, MedGen C3281092, MONDO:0013791, OMIM 614514. Disease mechanism: loss of function.
Thrombophilia due to protein S deficiency, autosomal dominant (THPH5). Identifiers: Orphanet 26349, Orphanet 743, MedGen C3278211, MONDO:0012868, OMIM 612336. Disease mechanism: loss of function.

Allele frequency attached by ClinVar (database versions not stated): ExAC 0.00001.

Submissions (2):

New York Genome Center
Classification: Likely pathogenic for Thrombophilia due to protein S deficiency, autosomal dominant. Last evaluated: 2024-05-08. Review status: criteria provided, single submitter. Criteria: NYGC Assertion Criteria 2020. Collection method: clinical testing. Allele origin: inherited. Observed: 1 variant allele, 1 heterozygote.
Comment: The c.1424G>T variant in PROS1 has previously been reported in individuals with protein S deficiency [PMID: 18435454, 28088608] and it has been deposited in ClinVar [ClinVar ID: 2734547] as Pathogenic by single submitter without affected status provided. The c.1424G>T variant is absent from population databases (gnomAD v4.1.0, TOPMed Freeze 10, All of Us), suggesting it is not a common benign variant in the populations represented in those databases. The c.1424G>T variant in PROS1 is located in exon 12 of this 15-exon gene and predicted to replace an evolutionarily conserved cysteine amino acid with phenylalanine at position 475 (p.(Cys475Phe)) in the laminin G (LG1) domain [PMID: 18435454] of the encoded protein. In silico predictions are in favor of damaging effect for the p. (Cys475Phe) variant [CADD v1.6 = 25.20, REVEL = 0.945] and in vitro functional studies demonstrated reduced protein S activity and intracellular degradation by proteasomes resulting in protein misfolding [PMID: 28088608]. Other variants affecting the same (p.Cys475) residue have been reported in the literature [PMID:8765219,35815065] and ClinVar [ClinVar ID: 851947] in individuals with protein S deficiency. Based on available evidence this heterozygous inherited c.1424G>T, p.(Cys475Phe) variant identified in PROS1 is classified as Likely Pathogenic.

Labcorp Genetics (formerly Invitae), Labcorp
Classification: Pathogenic for Thrombophilia due to protein S deficiency, autosomal recessive. Last evaluated: 2023-04-19. Review status: criteria provided, single submitter. Criteria: Invitae Variant Classification Sherloc (09022015). Collection method: clinical testing. Allele origin: germline.
Comment: This variant disrupts the p.Cys475 amino acid residue in PROS1. Other variant(s) that disrupt this residue have been observed in individuals with PROS1-related conditions (PMID: 8765219, 28088608, 29748776), which suggests that this may be a clinically significant amino acid residue. For these reasons, this variant has been classified as Pathogenic. This sequence change replaces cysteine, which is neutral and slightly polar, with phenylalanine, which is neutral and non-polar, at codon 475 of the PROS1 protein (p.Cys475Phe). This variant is not present in population databases (gnomAD no frequency). This missense change has been observed in individuals with protein S deficiency (PMID: 18435454, 28088608). It has also been observed to segregate with disease in related individuals. Advanced modeling of protein sequence and biophysical properties (such as structural, functional, and spatial information, amino acid conservation, physicochemical variation, residue mobility, and thermodynamic stability) performed at Invitae indicates that this missense variant is expected to disrupt PROS1 protein function.

Literature cited by the submitters: PubMed 18435454 (cited by New York Genome Center and Labcorp Genetics (formerly Invitae), Labcorp); PubMed 28088608 (cited by New York Genome Center and Labcorp Genetics (formerly Invitae), Labcorp); PubMed 8765219 (cited by Labcorp Genetics (formerly Invitae), Labcorp); PubMed 29748776 (cited by Labcorp Genetics (formerly Invitae), Labcorp).